The following is an entry in ClinVar:

NM_003072.5(SMARCA4):c.896C>G (p.Pro299Arg)

Gene: SMARCA4 (SWI/SNF related BAF chromatin remodeling complex subunit ATPase 4; plus strand). Cytogenetic location: 19p13.2.
Variant type: single nucleotide variant.
Coding change: c.896C>G on transcript NM_003072.5 (MANE Select); coding-DNA position 896, C replaced by G.
Protein change: p.Pro299Arg; replaces proline 299 with arginine.
Molecular consequence: missense variant. On other transcripts: non-coding transcript variant (1).
Genome position (GRCh38, 1-based): chr19:10,987,702, C>G. VCF-style: chr19-10987702-C-G. GRCh37 (hg19) VCF-style: chr19-11098378-C-G.
Other names: c.896C>G, p.Pro299Arg (NM_001128844.3, NM_001128845.2, NM_001128846.2 and 6 more transcripts); short protein forms P299R.
Identifiers: ClinVar variation 3253054 (VCV003253054.2), dbSNP rs770464856.

ClinVar aggregate classification (germline): Uncertain significance (1 of 4 stars; one submission).

Submission:

GeneDx
Classification: Uncertain significance. Last evaluated: 2025-12-04. Review status: criteria provided, single submitter. Criteria: GeneDx Variant Classification Process June 2021. Collection method: clinical testing. Allele origin: germline.
Comment: Not observed at significant frequency in large population cohorts (gnomAD); In silico analysis suggests that this missense variant does not alter protein structure/function; Has not been previously published as pathogenic or benign to our knowledge